The following is an entry in ClinVar:

NM_024642.5(GALNT12):c.166C>T (p.Pro56Ser)

Gene: GALNT12 (polypeptide N-acetylgalactosaminyltransferase 12; plus strand). Cytogenetic location: 9q22.33.
Variant type: single nucleotide variant.
Coding change: c.166C>T on transcript NM_024642.5 (MANE Select); coding-DNA position 166, C replaced by T.
Protein change: p.Pro56Ser; replaces proline 56 with serine.
Molecular consequence: missense variant.
Genome position (GRCh38, 1-based): chr9:98,807,864, C>T. VCF-style: chr9-98807864-C-T. GRCh37 (hg19) VCF-style: chr9-101570146-C-T.
Other names: short protein forms P56S.
Identifiers: ClinVar variation 3227934 (VCV003227934.2), dbSNP rs1564243769, ClinGen allele CA374222441.

ClinVar aggregate classification (germline): Uncertain significance (1 of 4 stars; one submission).

Submission:

Ambry Genetics
Classification: Uncertain significance. Last evaluated: 2025-12-21. Review status: criteria provided, single submitter. Criteria: Ambry Variant Classification Scheme 2023. Collection method: clinical testing. Allele origin: germline.
Comment: The p.P56S variant (also known as c.166C>T), located in coding exon 1 of the GALNT12 gene, results from a C to T substitution at nucleotide position 166. The proline at codon 56 is replaced by serine, an amino acid with similar properties. This amino acid position is conserved. In addition, this alteration is predicted to be tolerated by in silico analysis. Since supporting evidence is limited at this time, the clinical significance of this alteration remains unclear.